The following is an entry in ClinVar:

ClinVar aggregate classification (germline): Uncertain significance (1 of 4 stars; one submission).

Submission:

Labcorp Genetics (formerly Invitae), Labcorp
Classification: Uncertain significance. Last evaluated: 2025-07-02. Review status: criteria provided, single submitter. Criteria: Invitae Variant Classification Sherloc (09022015). Collection method: clinical testing. Allele origin: germline.
Comment: This sequence change falls in intron 10 of the EPAS1 gene. It does not directly change the encoded amino acid sequence of the EPAS1 protein. Information on the frequency of this variant in the gnomAD database is not available, as this variant may be reported differently in the database. This variant has not been reported in the literature in individuals affected with EPAS1-related conditions. ClinVar contains an entry for this variant (Variation ID: 3625395). Experimental studies and prediction algorithms are not available or were not evaluated, and the functional significance of this variant is currently unknown. In summary, the available evidence is currently insufficient to determine the role of this variant in disease. Therefore, it has been classified as a Variant of Uncertain Significance.

NM_001430.5(EPAS1):c.1444-8_1444-7delinsTT

Gene: EPAS1 (endothelial PAS domain protein 1; plus strand). Cytogenetic location: 2p21.
Variant type: Indel.
Coding change: c.1444-8_1444-7delinsTT on transcript NM_001430.5 (MANE Select); 8 bases into the intron before coding-DNA position 1444 through 7 bases into the intron before coding-DNA position 1444, GC replaced by TT.
Molecular consequence: intron variant.
Genome position (GRCh38, 1-based): chr2:46,378,649-46,378,650, GC replaced by TT. VCF-style: chr2-46378649-GC-TT. GRCh37 (hg19) VCF-style: chr2-46605788-GC-TT.
Identifiers: ClinVar variation 3625395 (VCV003625395.2).
Genomic context (GRCh38, chr2:46,378,649, plus strand): 5'-CCATGCTGGACTTCTGGGGAGACCAGTGCCATATCTTTGACTCTGTCCCCCTCCTTCCTG[GC>TT]CCCTAGCCCAATAGCCCTGAAGACTATTACACATCTTTGGATAACGACCTGAAGATTGAA-3'